The following is an entry in ClinVar:

NM_001267550.2(TTN):c.46393del (p.Glu15465fs)

Genes: TTN (titin; minus strand), TTN-AS1 (TTN antisense RNA 1; plus strand). Cytogenetic location: 2q31.2.
Variant type: Deletion.
Coding change: c.46393del on transcript NM_001267550.2 (MANE Select); coding-DNA position 46393, one base deleted (G; older notation c.46393delG).
Protein change: p.Glu15465fs; shifts the reading frame from glutamic acid 15465.
Molecular consequence: frameshift variant. On other transcripts: non-coding transcript variant (1).
Genome position (GRCh38, 1-based): chr2:178,620,024, C deleted on the plus strand (G on the coding strand, the reverse complement: TTN is on the minus strand). VCF-style (leftmost placement, unchanged base first): chr2-178620023-TC-T. GRCh37 (hg19) VCF-style: chr2-179484750-TC-T.
Other names: c.41470del, p.Glu13824fs (NM_001256850.1); c.19198del, p.Glu6400fs (NM_003319.4); c.38689del, p.Glu12897fs (NM_133378.4); c.19573del, p.Glu6525fs (NM_133432.3); c.19774del, p.Glu6592fs (NM_133437.4); short protein forms E12897fs, E13824fs, E15465fs, E6400fs, E6525fs, E6592fs.
Identifiers: ClinVar variation 3760107 (VCV003760107.2).

ClinVar aggregate classification (germline): Likely pathogenic (1 of 4 stars; one submission).

Conditions:
Dilated cardiomyopathy 1G (CMD1G). Identifiers: Orphanet 154, MedGen C1858763, MONDO:0011400, OMIM 604145.
Autosomal recessive limb-girdle muscular dystrophy type 2J (LGMDR10). Also called: Limb-girdle muscular dystrophy, type 2J; MUSCULAR DYSTROPHY, LIMB-GIRDLE, AUTOSOMAL RECESSIVE 10. Identifiers: Orphanet 140922, MedGen C1837342, MONDO:0012127, OMIM 608807.

Submission:

Labcorp Genetics (formerly Invitae), Labcorp
Classification: Likely pathogenic for Dilated cardiomyopathy 1G; Autosomal recessive limb-girdle muscular dystrophy type 2J. Last evaluated: 2025-02-10. Review status: criteria provided, single submitter. Criteria: Invitae Variant Classification Sherloc (09022015). Collection method: clinical testing. Allele origin: germline.
Comment: This sequence change creates a premature translational stop signal (p.Glu15465Lysfs*36) in the TTN gene. While this is not anticipated to result in nonsense mediated decay, it is expected to create a truncated TTN protein. This variant is not present in population databases (gnomAD no frequency). This variant has not been reported in the literature in individuals affected with TTN-related conditions. This variant is located in the I band of TTN (PMID: 25589632). Truncating variants in this region have been reported in individuals affected with autosomal recessive centronuclear myopathy (PMID: 23975875, internal data). Truncating variants in this region have also been identified in individuals affected with autosomal dominant dilated cardiomyopathy and/or cardio-related conditions (PMID: 27869827, 32964742, internal data). In summary, the currently available evidence indicates that the variant is pathogenic, but additional data are needed to prove that conclusively. Therefore, this variant has been classified as Likely Pathogenic.

Literature cited by the submitters: PubMed 25589632; PubMed 23975875; PubMed 27869827; PubMed 32964742.